The following is an entry in ClinVar:

NM_001367871.1(FBRSL1):c.2524_2538del (p.Arg842_Gly846del)

Gene: FBRSL1 (fibrosin like 1; plus strand). Cytogenetic location: 12q24.33.
Variant type: Deletion.
Coding change: c.2524_2538del on transcript NM_001367871.1 (MANE Select); coding-DNA positions 2524 to 2538, 15 bases deleted (CGCGAGCGCCTGGGC).
Protein change: p.Arg842_Gly846del.
Genome position (GRCh38, 1-based): chr12:132,583,293-132,583,307, CGCGAGCGCCTGGGC deleted; deleting any 15 consecutive bases within chr12:132,583,285-132,583,307 gives the same sequence; the c. name uses the placement nearest the transcript's 3' end. VCF-style (leftmost placement, unchanged base first): chr12-132583284-GGCCTGGGCCGCGAGC-G. GRCh37 (hg19) VCF-style: chr12-133159870-GGCCTGGGCCGCGAGC-G.
Other names: c.2653_2667del, p.Arg885_Gly889del (NM_001142641.2); c.2578_2592del, p.Arg860_Gly864del (NM_001382739.1); c.1903_1917del, p.Arg635_Gly639del (NM_001382740.1).
Identifiers: ClinVar variation 3037381 (VCV003037381.3), dbSNP rs538547455, ClinGen allele CA6891193.

ClinVar aggregate classification (germline): Benign. Review status: criteria provided, single submitter (1 of 4 stars). 2 submissions from 2 submitters: Benign (1). 1 of the submissions does not count toward it. Last evaluated 2023-05-04.

Conditions:
Syndromic disease. Identifiers: MedGen C0039082, MONDO:0002254.
FBRSL1-related disorder. Also called: FBRSL1-related condition.

Submissions (2):

Molecular Genetics, Royal Melbourne Hospital
Classification: Benign for Syndromic disease. Last evaluated: 2023-05-04. Review status: criteria provided, single submitter. Criteria: ACMG Guidelines, 2015. Collection method: clinical testing. Allele origin: germline. Affected: no.
Comment: European Non-Finnish population allele frequency is 57.36% (rs538547455, 678/16496 alleles, 11 homozygotes in gnomAD v2.1). Based on the classification scheme RMH Modified ACMG/AMP Guidelines v1.5.1, this variant is classified as BENIGN. Following criteria are met: BA1

PreventionGenetics, part of Exact Sciences
Classification: Likely benign for FBRSL1-related condition. Last evaluated: 2022-12-13. Review status: no assertion criteria provided. Collection method: clinical testing. Allele origin: germline. Not counted in ClinVar's aggregate classification.
Comment: This variant is classified as likely benign based on ACMG/AMP sequence variant interpretation guidelines (Richards et al. 2015 PMID: 25741868, with internal and published modifications).